The following is an entry in ClinVar:

ClinVar aggregate classification (germline): Uncertain significance. Review status: criteria provided, multiple submitters, no conflicts (2 of 4 stars). 4 submissions from 4 submitters: Uncertain significance (4). Last evaluated 2025-11-10.

Conditions:
Hereditary cancer-predisposing syndrome. Also called: Neoplastic Syndromes, Hereditary; Hereditary neoplastic syndrome; Hereditary Cancer Syndrome; Tumor predisposition. Identifiers: Orphanet 140162, MedGen C0027672, MeSH D009386, MONDO:0015356.
POLD1-related polyposis and colorectal cancer syndrome (CRCS10). Also called: Colorectal cancer, susceptibility to, 10; Colorectal cancer 10; COLORECTAL CANCER, SUSCEPTIBILITY TO, ON CHROMOSOME 19q. Identifiers: Orphanet 220460, MedGen C2675481, MONDO:0012953, OMIM 612591.

Allele frequency attached by ClinVar (database versions not stated): gnomAD 0.00001; gnomAD exomes 0.00001 and 0.00004; TOPMed 0.00001; ExAC 0.00011.

Submissions (4):

Labcorp Genetics (formerly Invitae), Labcorp
Classification: Uncertain significance for POLD1-related polyposis and colorectal cancer syndrome. Last evaluated: 2025-11-10. Review status: criteria provided, single submitter. Criteria: Invitae Variant Classification Sherloc (09022015). Collection method: clinical testing. Allele origin: germline.
Comment: This sequence change replaces proline, which is neutral and non-polar, with serine, which is neutral and polar, at codon 29 of the POLD1 protein (p.Pro29Ser). This variant is present in population databases (rs750303995, gnomAD 0.01%). This variant has not been reported in the literature in individuals affected with POLD1-related conditions. ClinVar contains an entry for this variant (Variation ID: 407976). An algorithm developed to predict the effect of missense changes on protein structure and function outputs the following: PolyPhen-2: "Benign". The serine amino acid residue is found in multiple mammalian species, which suggests that this missense change does not adversely affect protein function. In summary, the available evidence is currently insufficient to determine the role of this variant in disease. Therefore, it has been classified as a Variant of Uncertain Significance.

Ambry Genetics
Classification: Uncertain significance for Hereditary cancer-predisposing syndrome. Last evaluated: 2025-01-15. Review status: criteria provided, single submitter. Criteria: Ambry Variant Classification Scheme 2023. Collection method: clinical testing. Allele origin: germline.
Comment: The p.P29S variant (also known as c.85C>T), located in coding exon 1 of the POLD1 gene, results from a C to T substitution at nucleotide position 85. The proline at codon 29 is replaced by serine, an amino acid with similar properties. This amino acid position is conserved. In addition, this alteration is predicted to be tolerated by in silico analysis. Based on the available evidence, the clinical significance of this variant remains unclear.

GeneDx
Classification: Uncertain significance. Last evaluated: 2024-10-28. Review status: criteria provided, single submitter. Criteria: GeneDx Variant Classification Process June 2021. Collection method: clinical testing. Allele origin: germline. Affected: yes.
Comment: Has not been previously published as pathogenic or benign to our knowledge; In silico analysis indicates that this missense variant does not alter protein structure/function

Genetics and Molecular Pathology, SA Pathology
Classification: Uncertain significance for POLD1-related polyposis and colorectal cancer syndrome. Last evaluated: 2020-03-24. Review status: criteria provided, single submitter. Criteria: ACMG Guidelines, 2015. Collection method: clinical testing. Allele origin: germline. Inheritance: Autosomal dominant inheritance. Affected: yes.

NM_002691.4(POLD1):c.85C>T (p.Pro29Ser)

Gene: POLD1 (DNA polymerase delta 1, catalytic subunit; plus strand). Cytogenetic location: 19q13.33.
Variant type: single nucleotide variant.
Coding change: c.85C>T on transcript NM_002691.4 (MANE Select); coding-DNA position 85, C replaced by T.
Protein change: p.Pro29Ser; replaces proline 29 with serine.
Molecular consequence: missense variant. On other transcripts: non-coding transcript variant (1).
Genome position (GRCh38, 1-based): chr19:50,398,936, C>T. VCF-style: chr19-50398936-C-T. GRCh37 (hg19) VCF-style: chr19-50902193-C-T.
Other names: c.85C>T, p.Pro29Ser (NM_001256849.1, NM_001308632.1); c.85C>T (NM_002691.2); short protein forms P29S.
Identifiers: ClinVar variation 407976 (VCV000407976.17), dbSNP rs750303995, ClinGen allele CA9595613.